The following is an entry in ClinVar:

ClinVar aggregate classification (germline): Pathogenic. Review status: no assertion criteria provided (0 of 4 stars). 2 submissions from 2 submitters: Pathogenic (1). 1 of the submissions does not count toward it. Last evaluated 2012-05-27.

Conditions:
IMAGe syndrome. Also called: Intrauterine Growth Restriction, Metaphyseal Dysplasia, Adrenal Hypoplasia Congenita, and Genital Anomalies; Intrauterine growth retardation, metaphyseal dysplasia, adrenal hypoplasia congenita, and genital anomalies. Identifiers: Orphanet 85173, MedGen C1846009, MONDO:0013873, OMIM 614732.

Submissions (2):

OMIM
Classification: Pathogenic for INTRAUTERINE GROWTH RETARDATION, METAPHYSEAL DYSPLASIA, ADRENAL HYPOPLASIA CONGENITA, AND GENITAL ANOMALIES. Last evaluated: 2012-05-27. Review status: no assertion criteria provided. Collection method: literature only. Allele origin: germline.

GeneReviews
No classification provided. Condition: IMAGe syndrome. Review status: no classification provided. Collection method: literature only. Allele origin: germline. Not counted in ClinVar's aggregate classification.
Comment: Associated with IMAGe syndrome

Literature cited by the submitters: PubMed 15769992 (cited by OMIM); PubMed 22634751 (cited by OMIM and GeneReviews); PubMed 24624461 (cited by GeneReviews).

NM_001122630.2(CDKN1C):c.793T>G (p.Phe265Val)

Gene: CDKN1C (cyclin dependent kinase inhibitor 1C; minus strand). Cytogenetic location: 11p15.4.
Variant type: single nucleotide variant.
Coding change: c.793T>G on transcript NM_001122630.2 (MANE Select); coding-DNA position 793, T replaced by G.
Protein change: p.Phe265Val; replaces phenylalanine 265 with valine.
Molecular consequence: missense variant. On other transcripts: synonymous variant (1).
Genome position (GRCh38, 1-based): chr11:2,884,129, A>C on the plus strand (T>G on the coding strand, the complement: CDKN1C is on the minus strand). VCF-style: chr11-2884129-A-C. GRCh37 (hg19) VCF-style: chr11-2905359-A-C.
Other names: c.826T>G, p.Phe276Val (NM_000076.2, NM_001362474.2); c.793T>G, p.Phe265Val (NM_001122631.2); c.261T>G, p.Ser87= (NM_001362475.2); short protein forms F276V, F265V.
Identifiers: ClinVar variation 35528 (VCV000035528.4), dbSNP rs387907223, ClinGen allele CA342825.